The following is an entry in ClinVar:

ClinVar aggregate classification (germline): Pathogenic (1 of 4 stars; one submission).

Conditions:
Epilepsy, familial focal, with variable foci 3 (FFEVF3). Identifiers: MedGen C4310708, MONDO:0014925, OMIM 617118.

Submission:

Labcorp Genetics (formerly Invitae), Labcorp
Classification: Pathogenic for Epilepsy, familial focal, with variable foci 3. Last evaluated: 2022-07-19. Review status: criteria provided, single submitter. Criteria: Invitae Variant Classification Sherloc (09022015). Collection method: clinical testing. Allele origin: germline.
Comment: For these reasons, this variant has been classified as Pathogenic. ClinVar contains an entry for this variant (Variation ID: 1073416). This variant has not been reported in the literature in individuals affected with NPRL3-related conditions. This variant is not present in population databases (gnomAD no frequency). This sequence change creates a premature translational stop signal (p.Ser6Alafs*5) in the NPRL3 gene. It is expected to result in an absent or disrupted protein product. Loss-of-function variants in NPRL3 are known to be pathogenic (PMID: 26285051, 26505888).

Literature cited by the submitters: PubMed 26285051; PubMed 26505888.

NM_001077350.3(NPRL3):c.15del (p.Ser6fs)

Genes: HBA-LCR (alpha-globin locus control region; plus strand), NPRL3 (NPR3 like, GATOR1 complex subunit; minus strand). Cytogenetic location: 16p13.3.
Variant type: Deletion.
Coding change: c.15del on transcript NM_001077350.3 (MANE Select); coding-DNA position 15, one base deleted (C; older notation c.15delC).
Protein change: p.Ser6fs; shifts the reading frame from serine 6.
Molecular consequence: frameshift variant. On other transcripts: 5 prime UTR variant (2).
Genome position (GRCh38, 1-based): chr16:138,253, G deleted on the plus strand (C on the coding strand, the reverse complement: NPRL3 is on the minus strand); the first of 2 consecutive G bases (chr16:138,253-138,254); deleting either gives the same sequence. VCF-style (leftmost placement, unchanged base first): chr16-138252-TG-T. GRCh37 (hg19) VCF-style: chr16-188251-TG-T.
Other names: c.-318del (NM_001039476.3); c.-357del (NM_001243247.2); c.15del, p.Ser6fs (NM_001243248.2, NM_001243249.2); short protein forms S6fs.
Identifiers: ClinVar variation 1073416 (VCV001073416.7), dbSNP rs2141995568, ClinGen allele CA2499223223.
Genomic context (GRCh38, chr16:138,252, plus strand): 5'-ACCTGAACAGCAGCTTATTGCCCCTGCTCCCCGAGCTCACCAGAATCACGCTGATGGGGC[TG>T]GTGTTGTCCCGCATCCCGCCGTGGGGCCGGGGCCGGGGGCGGAGGGGGCCAGAGGAGGAC-3'